The following is an entry in ClinVar:

NM_182914.3(SYNE2):c.1482G>A (p.Leu494=)

Gene: SYNE2 (spectrin repeat containing nuclear envelope protein 2; plus strand). Cytogenetic location: 14q23.2.
Variant type: single nucleotide variant.
Coding change: c.1482G>A on transcript NM_182914.3 (MANE Select); coding-DNA position 1482, G replaced by A.
Protein change: p.Leu494=; no amino-acid change (leucine 494 retained).
Molecular consequence: synonymous variant.
Genome position (GRCh38, 1-based): chr14:63,978,927, G>A. VCF-style: chr14-63978927-G-A. GRCh37 (hg19) VCF-style: chr14-64445645-G-A.
Other names: c.1482G>A, p.Leu494= (NM_015180.6).
Identifiers: ClinVar variation 313488 (VCV000313488.39), dbSNP rs117567094, ClinGen allele CA7219444.

ClinVar aggregate classification (germline): Benign. Review status: criteria provided, multiple submitters, no conflicts (2 of 4 stars). 5 submissions from 5 submitters: Benign (5). Last evaluated 2026-09-01.

Conditions:
SYNE2-related disorder. Also called: SYNE2-related condition.
Emery-Dreifuss muscular dystrophy 5, autosomal dominant (EDMD5). Also called: EMERY-DREIFUSS MUSCULAR DYSTROPHY 5. Identifiers: Orphanet 261, MedGen C2751805, MONDO:0013072, OMIM 612999.

Allele frequency attached by ClinVar (database versions not stated): 1000 Genomes Project 30x 0.00468; 1000 Genomes Project 0.00519; TOPMed 0.00592; gnomAD 0.00640 and 0.00659; ESP Exome Variant Server 0.00764; gnomAD exomes 0.00781 and 0.00937; ExAC 0.00841.
gnomAD v4.1: 14,593 of 1,612,710 alleles (0.9%); highest among the groups gnomAD compares: South Asian, 1.4%; 95 homozygotes.

Submissions (5):

CeGaT Center for Human Genetics Tuebingen
Classification: Benign. Last evaluated: 2026-09-01. Review status: criteria provided, single submitter. Criteria: CeGaT Center For Human Genetics Tuebingen Variant Classification Criteria Version 2. Collection method: clinical testing. Allele origin: germline. Affected: yes. Observed: 27 variant alleles.
Comment: SYNE2: BP4, BP7, BS1, BS2

Labcorp Genetics (formerly Invitae), Labcorp
Classification: Benign for Emery-Dreifuss muscular dystrophy 5, autosomal dominant. Last evaluated: 2026-01-27. Review status: criteria provided, single submitter. Criteria: Invitae Variant Classification Sherloc (09022015). Collection method: clinical testing. Allele origin: germline.

PreventionGenetics, part of Exact Sciences
Classification: Benign for SYNE2-related condition. Last evaluated: 2025-02-10. Review status: criteria provided, single submitter. Criteria: ACMG Guidelines, 2015. Collection method: clinical testing. Allele origin: germline.
Comment: This variant is classified as benign based on ACMG/AMP sequence variant interpretation guidelines (Richards et al. 2015 PMID: 25741868, with internal and published modifications).

Illumina Laboratory Services, Illumina
Classification: Benign for Emery-Dreifuss muscular dystrophy 5, autosomal dominant. Last evaluated: 2018-01-13. Review status: criteria provided, single submitter. Criteria: ICSL Variant Classification Criteria 13 December 2019. Collection method: clinical testing. Allele origin: germline.
Comment: This variant was observed in the ICSL laboratory as part of a predisposition screen in an ostensibly healthy population. It had not been previously curated by ICSL or reported in the Human Gene Mutation Database (HGMD: prior to June 1st, 2018), and was therefore a candidate for classification through an automated scoring system. Utilizing variant allele frequency, disease prevalence and penetrance estimates, and inheritance mode, an automated score was calculated to assess if this variant is too frequent to cause the disease. Based on the score and internal cut-off values, a variant classified as benign is not then subjected to further curation. The score for this variant resulted in a classification of benign for this disease.

Breakthrough Genomics
Classification: Benign. Review status: criteria provided, single submitter. Criteria: ACMG Guidelines, 2015. Collection method: not provided. Allele origin: germline. Inheritance: Autosomal dominant inheritance. Affected: yes.